The following is an entry in ClinVar:

ClinVar aggregate classification (germline): Uncertain significance (1 of 4 stars; one submission).

Conditions:
Cardiovascular phenotype. Identifiers: MedGen CN230736.

Submission:

Ambry Genetics
Classification: Uncertain significance for Cardiovascular phenotype. Last evaluated: 2026-07-25. Review status: criteria provided, single submitter. Criteria: Ambry Variant Classification Scheme 2023. Collection method: clinical testing. Allele origin: germline.
Comment: The p.F178S variant (also known as c.533T>C), located in coding exon 5 of the SPRED1 gene, results from a T to C substitution at nucleotide position 533. The phenylalanine at codon 178 is replaced by serine, an amino acid with highly dissimilar properties. This amino acid position is conserved. In addition, the in silico prediction for this alteration is inconclusive. Based on the available evidence, the clinical significance of this variant remains unclear.

NM_152594.3(SPRED1):c.533T>C (p.Phe178Ser)

Gene: SPRED1 (sprouty related EVH1 domain containing 1; plus strand). Cytogenetic location: 15q14.
Variant type: single nucleotide variant.
Coding change: c.533T>C on transcript NM_152594.3 (MANE Select); coding-DNA position 533, T replaced by C.
Protein change: p.Phe178Ser; replaces phenylalanine 178 with serine.
Molecular consequence: missense variant.
Genome position (GRCh38, 1-based): chr15:38,339,846, T>C. VCF-style: chr15-38339846-T-C. GRCh37 (hg19) VCF-style: chr15-38632047-T-C.
Other names: short protein forms F178S.
Identifiers: ClinVar variation 5030118 (VCV005030118.1).